The following is an entry in ClinVar:

NM_005629.4(SLC6A8):c.102C>T (p.Gly34=)

Gene: SLC6A8 (solute carrier family 6 member 8; plus strand). Cytogenetic location: Xq28.
Variant type: single nucleotide variant.
Coding change: c.102C>T on transcript NM_005629.4 (MANE Select); coding-DNA position 102, C replaced by T.
Protein change: p.Gly34=; no amino-acid change (glycine 34 retained).
Molecular consequence: synonymous variant.
Genome position (GRCh38, 1-based): chrX:153,688,676, C>T. VCF-style: chrX-153688676-C-T. GRCh37 (hg19) VCF-style: chrX-152954131-C-T.
Other names: c.102C>T, p.Gly34= (NM_001142805.2).
Identifiers: ClinVar variation 2661707 (VCV002661707.26), dbSNP rs2522144936, ClinGen allele CA519344486.

ClinVar aggregate classification (germline): Likely benign. Review status: criteria provided, multiple submitters, no conflicts (2 of 4 stars). 2 submissions from 2 submitters: Likely benign (2). Last evaluated 2024-03-04.

Conditions:
Creatine transporter deficiency (CCDS1). Also called: Mental retardation , X-linked with seizures, short stature and midface hypoplasia; Mental retardation , X-linked, with creatine transport deficiency; X-linked creatine transporter deficiency; X-linked creatine deficiency syndrome; SLC6A8-Related Creatine Transporter Deficiency; CREATINE TRANSPORTER DEFECT. Identifiers: Orphanet 52503, MedGen C1845862, MONDO:0010305, OMIM 300352.

Allele frequency attached by ClinVar (database versions not stated): gnomAD exomes 0.00001.
gnomAD v4.1: 11 of 1,090,217 alleles (0.001%); highest among the groups gnomAD compares: Non-Finnish European, 0.0012%; no homozygotes.

Submissions (2):

Labcorp Genetics (formerly Invitae), Labcorp
Classification: Likely benign for Creatine transporter deficiency. Last evaluated: 2024-03-04. Review status: criteria provided, single submitter. Criteria: Invitae Variant Classification Sherloc (09022015). Collection method: clinical testing. Allele origin: germline.

CeGaT Center for Human Genetics Tuebingen
Classification: Likely benign. Last evaluated: 2022-09-01. Review status: criteria provided, single submitter. Criteria: CeGaT Center For Human Genetics Tuebingen Variant Classification Criteria Version 2. Collection method: clinical testing. Allele origin: germline. Affected: yes. Observed: 1 variant allele.
Comment: SLC6A8: PM2:Supporting, BP4, BP7